The following is an entry in ClinVar:

NM_022575.4(VPS16):c.995-5C>T

Gene: VPS16 (VPS16 core subunit of CORVET and HOPS complexes; plus strand). Cytogenetic location: 20p13.
Variant type: single nucleotide variant.
Coding change: c.995-5C>T on transcript NM_022575.4 (MANE Select); 5 bases into the intron before coding-DNA position 995, C replaced by T.
Molecular consequence: intron variant.
Genome position (GRCh38, 1-based): chr20:2,862,049, C>T. VCF-style: chr20-2862049-C-T. GRCh37 (hg19) VCF-style: chr20-2842695-C-T.
Other names: c.899+345C>T (NM_080413.3).
Identifiers: ClinVar variation 4848035 (VCV004848035.1).

ClinVar aggregate classification (germline): Likely benign (1 of 4 stars; one submission).

Submission:

Women's Health and Genetics/Laboratory Corporation of America, LabCorp
Classification: Likely benign. Last evaluated: 2026-02-25. Review status: criteria provided, single submitter. Criteria: LabCorp Variant Classification Summary - May 2015. Collection method: clinical testing. Allele origin: germline.
Comment: Variant summary: VPS16 c.995-5C>T alters a non-conserved nucleotide located at a position not widely known to affect splicing. Consensus agreement among computation tools predict no significant impact on normal splicing. However, these predictions have yet to be confirmed by functional studies. The frequency data for this variant in gnomAD is considered unreliable, as metrics indicate poor data quality at this position. To our knowledge, no occurrence of c.995-5C>T in individuals affected with VPS16-related conditions and no experimental evidence demonstrating its impact on protein function have been reported. No submitters have cited clinical-significance assessments for this variant to ClinVar. Based on the evidence outlined above, the variant was classified as likely benign.